The following is an entry in ClinVar:

NM_001005373.4(LRSAM1):c.1996_2017del (p.Ala666fs)

Gene: LRSAM1 (leucine rich repeat and sterile alpha motif containing 1; plus strand). Cytogenetic location: 9q34.11.
Variant type: Deletion.
Coding change: c.1996_2017del on transcript NM_001005373.4 (MANE Select); coding-DNA positions 1996 to 2017, 22 bases deleted (GCAGAGCTGGAGGTGCAGGCCT).
Protein change: p.Ala666fs; shifts the reading frame from alanine 666.
Molecular consequence: frameshift variant. On other transcripts: non-coding transcript variant (2).
Genome position (GRCh38, 1-based): chr9:127,501,093-127,501,114, GCAGAGCTGGAGGTGCAGGCCT deleted; deleting any 22 consecutive bases within chr9:127,501,090-127,501,114 gives the same sequence; the c. name uses the placement nearest the transcript's 3' end. VCF-style (leftmost placement, unchanged base first): chr9-127501089-CCCTGCAGAGCTGGAGGTGCAGG-C. GRCh37 (hg19) VCF-style: chr9-130263368-CCCTGCAGAGCTGGAGGTGCAGG-C.
Other names: c.1996_2017del, p.Ala666fs (NM_001005374.4, NM_001384142.1, NM_138361.5); c.1915_1936del, p.Ala639fs (NM_001190723.3); c.1897_1918del, p.Ala633fs (NM_001384143.1); c.1207_1228del, p.Ala403fs (NM_001384144.1); short protein forms A639fs, A403fs, A633fs, A666fs.
Identifiers: ClinVar variation 2824453 (VCV002824453.3), dbSNP rs2539464264, ClinGen allele CA2739265057.

ClinVar aggregate classification (germline): Likely pathogenic (1 of 4 stars; one submission).

Conditions:
Charcot-Marie-Tooth disease axonal type 2P. Also called: CHARCOT-MARIE-TOOTH NEUROPATHY, TYPE 2P; Charcot-Marie-Tooth Neuropathy Type 2G; CHARCOT-MARIE-TOOTH DISEASE, AXONAL, TYPE 2G; CMT 2G. Identifiers: Orphanet 300319, Orphanet 99941, MedGen C3280797, MONDO:0013753, OMIM 614436.

Submission:

Labcorp Genetics (formerly Invitae), Labcorp
Classification: Likely pathogenic for Charcot-Marie-Tooth disease axonal type 2P. Last evaluated: 2023-04-29. Review status: criteria provided, single submitter. Criteria: Invitae Variant Classification Sherloc (09022015). Collection method: clinical testing. Allele origin: germline.
Comment: This sequence change creates a premature translational stop signal (p.Ala666Glnfs*13) in the LRSAM1 gene. While this is not anticipated to result in nonsense mediated decay, it is expected to disrupt the last 58 amino acid(s) of the LRSAM1 protein. This variant is not present in population databases (gnomAD no frequency). This premature translational stop signal has been observed in individual(s) with clinical features of Charcot-Marie-Tooth disease (Invitae). In summary, the currently available evidence indicates that the variant is pathogenic, but additional data are needed to prove that conclusively. Therefore, this variant has been classified as Likely Pathogenic. This protein change is located in a region of the LRSAM1 protein where a significant number of LRSAM1 nonsense and frameshift mutations have been reported in autosomal dominant Charcot-Marie-Tooth disease (PMID: 33414056, 31211173, 29341362).

Literature cited by the submitters: PubMed 33414056; PubMed 31211173; PubMed 29341362.